The following is an entry in ClinVar:

NM_198578.4(LRRK2):c.3120G>T (p.Leu1040Phe)

Gene: LRRK2 (leucine rich repeat kinase 2; plus strand). Cytogenetic location: 12q12.
Variant type: single nucleotide variant.
Coding change: c.3120G>T on transcript NM_198578.4 (MANE Select); coding-DNA position 3120, G replaced by T.
Protein change: p.Leu1040Phe; replaces leucine 1040 with phenylalanine.
Molecular consequence: missense variant.
Genome position (GRCh38, 1-based): chr12:40,298,266, G>T. VCF-style: chr12-40298266-G-T. GRCh37 (hg19) VCF-style: chr12-40692068-G-T.
Other names: short protein forms L1040F.
Identifiers: ClinVar variation 2567408 (VCV002567408.2), dbSNP rs1468648239, ClinGen allele CA384414074.

ClinVar aggregate classification (germline): Uncertain significance (1 of 4 stars; one submission).

Conditions:
Inborn genetic diseases. Identifiers: MedGen C0950123, MeSH D030342.

Allele frequency attached by ClinVar (database versions not stated): TOPMed below 0.00001.

Submission:

Ambry Genetics
Classification: Uncertain significance for Inborn genetic diseases. Last evaluated: 2023-05-18. Review status: criteria provided, single submitter. Criteria: Ambry Variant Classification Scheme 2023. Collection method: clinical testing. Allele origin: germline.
Comment: The p.L1040F variant (also known as c.3120G>T), located in coding exon 24 of the LRRK2 gene, results from a G to T substitution at nucleotide position 3120. The leucine at codon 1040 is replaced by phenylalanine, an amino acid with highly similar properties. This amino acid position is conserved. In addition, this alteration is predicted to be deleterious by in silico analysis. Since supporting evidence is limited at this time, the clinical significance of this alteration remains unclear.